The following is an entry in ClinVar:

NM_001370259.2(MEN1):c.1351G>C (p.Val451Leu)

Gene: MEN1 (menin 1; minus strand). Cytogenetic location: 11q13.1.
Variant type: single nucleotide variant.
Coding change: c.1351G>C on transcript NM_001370259.2 (MANE Select); coding-DNA position 1351, G replaced by C.
Protein change: p.Val451Leu; replaces valine 451 with leucine.
Molecular consequence: missense variant. On other transcripts: non-coding transcript variant (4).
Genome position (GRCh38, 1-based): chr11:64,804,816, C>G on the plus strand (G>C on the coding strand, the complement: MEN1 is on the minus strand). VCF-style: chr11-64804816-C-G. GRCh37 (hg19) VCF-style: chr11-64572288-C-G.
Other names: c.1477G>C, p.Val493Leu (NM_001407142.1, NM_001407143.1, NM_001407144.1 and 1 more transcripts); c.1366G>C, p.Val456Leu (NM_001407145.1, NM_130800.3, NM_130801.3 and 4 more transcripts); c.1351G>C, p.Val451Leu (NM_001407146.1, NM_001407147.1, NM_130799.3 and 2 more transcripts); c.1246G>C, p.Val416Leu (NM_001407148.1, NM_001407149.1, NM_001370262.2 and 1 more transcripts); c.1492G>C, p.Val498Leu (NM_001407150.1); c.1372G>C, p.Val458Leu (NM_001407151.1); c.1186G>C, p.Val396Leu (NM_001407152.1); short protein forms V451L, V396L, V416L, V456L, V493L, V498L, V458L.
Identifiers: ClinVar variation 4106574 (VCV004106574.1).
Genomic context (GRCh38, chr11:64,804,816, plus strand): 5'-ACGGCTCCTCGGCCTCGGCCGCCTCGGCCTCTCGGCTCACTATGCGCACCTTCTGCCGCA[C>G]CTGGGCCAGTGGGGAGAGCAAGGTGAGAGCAAGGTTGCCGGCCAGTGGCTGGAACTCCAG-3'
Protein context (NP_001357188.2, residues 441-461): VQSLGRFEGQ[Val451Leu]RQKVRIVSRE

ClinVar aggregate classification (germline): Uncertain significance (1 of 4 stars; one submission).

Conditions:
Hereditary cancer-predisposing syndrome. Also called: Tumor predisposition; Neoplastic Syndromes, Hereditary; Hereditary neoplastic syndrome; Hereditary Cancer Syndrome. Identifiers: Orphanet 140162, MedGen C0027672, MeSH D009386, MONDO:0015356.

Submission:

Ambry Genetics
Classification: Uncertain significance for Hereditary cancer-predisposing syndrome. Last evaluated: 2025-08-03. Review status: criteria provided, single submitter. Criteria: Ambry Variant Classification Scheme 2023. Collection method: clinical testing. Allele origin: germline.
Comment: The p.V451L variant (also known as c.1351G>C) is located in coding exon 9 of the MEN1 gene. The valine at codon 451 is replaced by leucine, an amino acid with highly similar properties. This change occurs in the first base pair of coding exon 9. This amino acid position is conserved. In addition, this alteration is predicted to be deleterious by in silico analysis. Based on the available evidence, the clinical significance of this variant remains unclear.